The following is an entry in ClinVar:

NM_000169.3(GLA):c.1269G>A (p.Met423Ile)

Genes: GLA (galactosidase alpha; minus strand), RPL36A-HNRNPH2 (RPL36A-HNRNPH2 readthrough; plus strand). Cytogenetic location: Xq22.1.
Variant type: single nucleotide variant.
Coding change: c.1269G>A on transcript NM_000169.3 (MANE Select); coding-DNA position 1269, G replaced by A.
Protein change: p.Met423Ile; replaces methionine 423 with isoleucine.
Molecular consequence: missense variant. On other transcripts: non-coding transcript variant (3), intron variant (2).
Genome position (GRCh38, 1-based): chrX:101,397,830, C>T on the plus strand (G>A on the coding strand, the complement: GLA is on the minus strand). VCF-style: chrX-101397830-C-T. GRCh37 (hg19) VCF-style: chrX-100652818-C-T.
Other names: c.1392G>A, p.Met464Ile (NM_001406747.1); c.300+2373C>T (NM_001199973.2); c.177+6008C>T (NM_001199974.2); short protein forms M423I, M464I.
Identifiers: ClinVar variation 2072282 (VCV002072282.2), dbSNP rs2520847855, ClinGen allele CA413918736.

ClinVar aggregate classification (germline): Uncertain significance (1 of 4 stars; one submission).

Conditions:
Fabry disease. Also called: Fabry's disease; ALPHA-GALACTOSIDASE A DEFICIENCY; ANDERSON-FABRY DISEASE; CERAMIDE TRIHEXOSIDASE DEFICIENCY; GLA DEFICIENCY; HEREDITARY DYSTOPIC LIPIDOSIS. Identifiers: Orphanet 324, MedGen C0002986, MONDO:0010526, OMIM 301500, HP:0001071. Disease mechanism: Fabry disease is due to inactivating mutations in the X-linked GLA gene resulting in deficiency of the enzyme Alpha Galactosidase-A., loss of function.

Submission:

Labcorp Genetics (formerly Invitae), Labcorp
Classification: Uncertain significance for Fabry disease. Last evaluated: 2025-07-27. Review status: criteria provided, single submitter. Criteria: Invitae Variant Classification Sherloc (09022015). Collection method: clinical testing. Allele origin: germline.
Comment: This sequence change replaces methionine, which is neutral and non-polar, with isoleucine, which is neutral and non-polar, at codon 423 of the GLA protein (p.Met423Ile). This variant is not present in population databases (gnomAD no frequency). This variant has not been reported in the literature in individuals affected with GLA-related conditions. ClinVar contains an entry for this variant (Variation ID: 2072282). Invitae Evidence Modeling of protein sequence and biophysical properties (such as structural, functional, and spatial information, amino acid conservation, physicochemical variation, residue mobility, and thermodynamic stability) indicates that this missense variant is not expected to disrupt GLA protein function with a negative predictive value of 95%. In summary, the available evidence is currently insufficient to determine the role of this variant in disease. Therefore, it has been classified as a Variant of Uncertain Significance.